The following is an entry in ClinVar:

ClinVar aggregate classification (germline): Uncertain significance. Review status: criteria provided, multiple submitters, no conflicts (2 of 4 stars). 3 submissions from 3 submitters: Uncertain significance (3). Last evaluated 2026-03-26.

Conditions:
Carney-Stratakis syndrome. Also called: PARAGANGLIOMA AND GASTROINTESTINAL STROMAL TUMOR. Identifiers: Orphanet 97286, MedGen C1847319, MONDO:0011740, OMIM 606864.
Pheochromocytoma/paraganglioma syndrome 4. Also called: SDHB-Related Hereditary Paraganglioma-Pheochromocytoma Syndrome (Paragangliomas 4); SDHB-Related Hereditary Paraganglioma-Pheochromocytoma Syndrome; Paragangliomas 4; CAROTID BODY TUMORS AND MULTIPLE EXTRAADRENAL PHEOCHROMOCYTOMAS; PARAGANGLIOMA, FAMILIAL MALIGNANT; PARAGANGLIOMAS, HEREDITARY EXTRAADRENAL. Identifiers: Orphanet 29072, MedGen C1861848, MONDO:0007273, OMIM 115310.
Gastrointestinal stromal tumor. Also called: Gastrointestinal stromal tumor, somatic; Gastrointestinal stroma tumor. Identifiers: Orphanet 44890, MedGen C0238198, MeSH D046152, MONDO:0011719, OMIM 606764, HP:0100723.
Mitochondrial complex 2 deficiency, nuclear type 4. Also called: MITOCHONDRIAL COMPLEX II DEFICIENCY, NUCLEAR TYPE 4. Identifiers: MedGen C5543176, MONDO:0030974, OMIM 619224.
Hereditary cancer-predisposing syndrome. Also called: Neoplastic Syndromes, Hereditary; Hereditary Cancer Syndrome; Hereditary neoplastic syndrome; Tumor predisposition. Identifiers: Orphanet 140162, MedGen C0027672, MeSH D009386, MONDO:0015356.
Pheochromocytoma. Also called: MAX-Related Hereditary Paraganglioma-Pheochromocytoma Syndrome. Identifiers: Orphanet 29072, MedGen C0031511, MONDO:0008233, OMIM 171300, HP:0002666.

Allele frequency attached by ClinVar (database versions not stated): gnomAD exomes below 0.00001.

Submissions (3):

Ambry Genetics
Classification: Uncertain significance for Hereditary cancer-predisposing syndrome. Last evaluated: 2026-03-26. Review status: criteria provided, single submitter. Criteria: Ambry Variant Classification Scheme 2023. Collection method: clinical testing. Allele origin: germline.
Comment: The p.G53R variant (also known as c.157G>A), located in coding exon 2 of the SDHB gene, results from a G to A substitution at nucleotide position 157. The glycine at codon 53 is replaced by arginine, an amino acid with dissimilar properties. This variant was reported in individual(s) with features consistent with SDHB-related hereditary pheochromocytoma-paraganglioma (Neumann HP et al. JAMA, 2004 Aug;292:943-51). Note, this variant is also referred to as SDHB c.291G>A in the literature. This amino acid position is highly conserved in available vertebrate species. In addition, this alteration is predicted to be deleterious by in silico analysis. Based on the available evidence, the clinical significance of this variant remains unclear.

Labcorp Genetics (formerly Invitae), Labcorp
Classification: Uncertain significance for Gastrointestinal stromal tumor; Pheochromocytoma/paraganglioma syndrome 4; Pheochromocytoma. Last evaluated: 2025-11-21. Review status: criteria provided, single submitter. Criteria: Invitae Variant Classification Sherloc (09022015). Collection method: clinical testing. Allele origin: germline.
Comment: This sequence change replaces glycine, which is neutral and non-polar, with arginine, which is basic and polar, at codon 53 of the SDHB protein (p.Gly53Arg). This variant is not present in population databases (gnomAD no frequency). This missense change has been observed in individual(s) with phaeochromocytoma (PMID: 15328326). ClinVar contains an entry for this variant (Variation ID: 819595). Invitae Evidence Modeling of protein sequence and biophysical properties (such as structural, functional, and spatial information, amino acid conservation, physicochemical variation, residue mobility, and thermodynamic stability) indicates that this missense variant is not expected to disrupt SDHB protein function with a negative predictive value of 80%. In summary, the available evidence is currently insufficient to determine the role of this variant in disease. Therefore, it has been classified as a Variant of Uncertain Significance.

Department of Pathology and Laboratory Medicine, Sinai Health System
Classification: Uncertain significance for Pheochromocytoma/paraganglioma syndrome 4; Gastrointestinal stromal tumor; Carney-Stratakis syndrome; Mitochondrial complex 2 deficiency, nuclear type 4. Last evaluated: 2021-07-29. Review status: criteria provided, single submitter. Criteria: ACMG Guidelines, 2015. Collection method: clinical testing. Allele origin: germline. Affected: yes.

Literature cited by the submitters: PubMed 15328326 (cited by 3 submitters).

NM_003000.3(SDHB):c.157G>A (p.Gly53Arg)

Gene: SDHB (succinate dehydrogenase complex iron sulfur subunit B; minus strand). Cytogenetic location: 1p36.13.
Variant type: single nucleotide variant.
Coding change: c.157G>A on transcript NM_003000.3 (MANE Select); coding-DNA position 157, G replaced by A.
Protein change: p.Gly53Arg; replaces glycine 53 with arginine.
Molecular consequence: missense variant.
Genome position (GRCh38, 1-based): chr1:17,044,804, C>T on the plus strand (G>A on the coding strand, the complement: SDHB is on the minus strand). VCF-style: chr1-17044804-C-T. GRCh37 (hg19) VCF-style: chr1-17371299-C-T.
Other names: short protein forms G53R.
Identifiers: ClinVar variation 819595 (VCV000819595.7), dbSNP rs1570958009, ClinGen allele CA338227946.